The following is an entry in ClinVar:

ClinVar aggregate classification (germline): Uncertain significance (1 of 4 stars; one submission).

Conditions:
SCP2-related disorder. Also called: SCP2-related condition.

Submission:

PreventionGenetics, part of Exact Sciences
Classification: Uncertain significance for SCP2-related condition. Last evaluated: 2025-01-25. Review status: criteria provided, single submitter. Criteria: ACMG Guidelines, 2015. Collection method: clinical testing. Allele origin: germline.
Comment: The SCP2 c.679A>G variant is predicted to result in the amino acid substitution p.Thr227Ala. To our knowledge, this variant has not been reported in the literature or in a large population database (gnomAD), indicating this variant is rare. At this time, the clinical significance of this variant is uncertain due to the absence of conclusive functional and genetic evidence.

NM_002979.5(SCP2):c.679A>G (p.Thr227Ala)

Gene: SCP2 (sterol carrier protein 2; plus strand). Cytogenetic location: 1p32.3.
Variant type: single nucleotide variant.
Coding change: c.679A>G on transcript NM_002979.5 (MANE Select); coding-DNA position 679, A replaced by G.
Protein change: p.Thr227Ala; replaces threonine 227 with alanine.
Molecular consequence: missense variant.
Genome position (GRCh38, 1-based): chr1:52,978,221, A>G. VCF-style: chr1-52978221-A-G. GRCh37 (hg19) VCF-style: chr1-53443893-A-G.
Other names: c.547A>G, p.Thr183Ala (NM_001007098.3, NM_001193600.2); c.607A>G, p.Thr203Ala (NM_001193599.2); c.436A>G, p.Thr146Ala (NM_001193617.2); c.679A>G, p.Thr227Ala (NM_001330587.2); short protein forms T203A, T227A, T146A, T183A.
Identifiers: ClinVar variation 4998571 (VCV004998571.1).